The following is an entry in ClinVar:

NM_020812.4(DOCK6):c.3063C>G (p.Tyr1021Ter)

Gene: DOCK6 (dedicator of cytokinesis 6; minus strand). Cytogenetic location: 19p13.2.
Variant type: single nucleotide variant.
Coding change: c.3063C>G on transcript NM_020812.4 (MANE Select); coding-DNA position 3063, C replaced by G.
Protein change: p.Tyr1021Ter; replaces tyrosine 1021 with a stop codon.
Molecular consequence: nonsense.
Genome position (GRCh38, 1-based): chr19:11,222,999, G>C on the plus strand (C>G on the coding strand, the complement: DOCK6 is on the minus strand). VCF-style: chr19-11222999-G-C. GRCh37 (hg19) VCF-style: chr19-11333675-G-C.
Other names: c.3168C>G, p.Tyr1056Ter (NM_001367830.1); short protein forms Y1021*, Y1056*.
Identifiers: ClinVar variation 5018556 (VCV005018556.2).

ClinVar aggregate classification (germline): Pathogenic (1 of 4 stars; one submission).

Conditions:
Adams-Oliver syndrome 2 (AOS2). Identifiers: Orphanet 974, MedGen C3280182, MONDO:0013635, OMIM 614219.

Submission:

Juno Genomics, Hangzhou Juno Genomics, Inc
Classification: Pathogenic for Adams-Oliver syndrome 2. Review status: criteria provided, single submitter. Criteria: ACMG Guidelines, 2015. Collection method: clinical testing. Allele origin: germline.
Comment: Absent from controls (or at extremely low frequency if recessive) in Genome Aggregation Database.;Null variant in a gene where loss of function (LOF) is a known mechanism of disease.;For recessive disorders, detected in trans with a pathogenic variant.